The following is an entry in ClinVar:

ClinVar aggregate classification (germline): Uncertain significance (1 of 4 stars; one submission).

gnomAD v4.1: 2 of 1,613,340 alleles (0.00012%); highest among the groups gnomAD compares: Non-Finnish European, 0.00017%; no homozygotes.

Submission:

Mayo Clinic Laboratories, Mayo Clinic
Classification: Uncertain significance. Last evaluated: 2025-07-24. Review status: criteria provided, single submitter. Criteria: ACMG Guidelines, 2015. Collection method: clinical testing. Allele origin: germline. Observed: 1 variant allele.
Comment: PP3_moderate, PM2_supporting

NM_020944.3(GBA2):c.523C>T (p.Leu175Phe)

Gene: GBA2 (glucosylceramidase beta 2; minus strand). Cytogenetic location: 9p13.3.
Variant type: single nucleotide variant.
Coding change: c.523C>T on transcript NM_020944.3 (MANE Select); coding-DNA position 523, C replaced by T.
Protein change: p.Leu175Phe; replaces leucine 175 with phenylalanine.
Molecular consequence: missense variant.
Genome position (GRCh38, 1-based): chr9:35,744,341, G>A on the plus strand (C>T on the coding strand, the complement: GBA2 is on the minus strand). VCF-style: chr9-35744341-G-A. GRCh37 (hg19) VCF-style: chr9-35744338-G-A.
Other names: p.Leu175Phe; c.523C>T, p.Leu175Phe (NM_001330660.2); short protein forms L175F.
Identifiers: ClinVar variation 4541443 (VCV004541443.1).
Genomic context (GRCh38, chr9:35,744,341, plus strand): 5'-ACCTCCTGGCTCTTACTTGGTCAGCGATGACTGTCCGGTGCTGATACATTCCAGGGTTAA[G>A]CTGCCAACGACAGAACTGGCCTCTCCAGCCACGGGTAATAGTGCCTCCCCCGATGCCACC-3'
Protein context (NP_065995.1, residues 165-185): GWRGQFCRWQ[Leu175Phe]NPGMYQHRTV